The following is an entry in ClinVar:

NM_001164508.2(NEB):c.19919T>C (p.Leu6640Pro)

Gene: NEB (nebulin; minus strand). Cytogenetic location: 2q23.3.
Variant type: single nucleotide variant.
Coding change: c.19919T>C on transcript NM_001164508.2 (MANE Select); coding-DNA position 19919, T replaced by C.
Protein change: p.Leu6640Pro; replaces leucine 6640 with proline.
Molecular consequence: missense variant.
Genome position (GRCh38, 1-based): chr2:151,551,763, A>G on the plus strand (T>C on the coding strand, the complement: NEB is on the minus strand). VCF-style: chr2-151551763-A-G. GRCh37 (hg19) VCF-style: chr2-152408277-A-G.
Other names: c.19919T>C, p.Leu6640Pro (NM_001164507.2, NM_001271208.2); c.14816T>C, p.Leu4939Pro (NM_004543.5); short protein forms L4939P, L6640P.
Identifiers: ClinVar variation 2106652 (VCV002106652.4), dbSNP rs886054932, ClinGen allele CA348787187.

ClinVar aggregate classification (germline): Uncertain significance (1 of 4 stars; one submission).

Conditions:
Nemaline myopathy 2 (NEM2). Also called: Nemaline myopathy 2, autosomal recessive. Identifiers: MedGen C1850569, MONDO:0009725, OMIM 256030.

Submission:

Labcorp Genetics (formerly Invitae), Labcorp
Classification: Uncertain significance for Nemaline myopathy 2. Last evaluated: 2022-03-04. Review status: criteria provided, single submitter. Criteria: Invitae Variant Classification Sherloc (09022015). Collection method: clinical testing. Allele origin: germline.
Comment: This sequence change replaces leucine, which is neutral and non-polar, with proline, which is neutral and non-polar, at codon 6640 of the NEB protein (p.Leu6640Pro). This variant is not present in population databases (gnomAD no frequency). This variant has not been reported in the literature in individuals affected with NEB-related conditions. Algorithms developed to predict the effect of missense changes on protein structure and function are either unavailable or do not agree on the potential impact of this missense change (SIFT: "Deleterious"; PolyPhen-2: "Not Available"; Align-GVGD: "Class C0"). In summary, the available evidence is currently insufficient to determine the role of this variant in disease. Therefore, it has been classified as a Variant of Uncertain Significance.